The following is an entry in ClinVar:

ClinVar aggregate classification (germline): Likely pathogenic (1 of 4 stars; one submission).

Conditions:
Charlevoix-Saguenay spastic ataxia (SACS). Also called: AUTOSOMAL RECESSIVE SPASTIC ATAXIA OF CHARLEVOIX-SAGUENAY; Spastic ataxia of Charlevoix-Saguenay; SPASTIC ATAXIA 6, AUTOSOMAL RECESSIVE. Identifiers: Orphanet 98, MedGen C1849140, MONDO:0010041, OMIM 270550.

Submission:

Natera, Inc.
Classification: Likely pathogenic for Charlevoix-Saguenay type spastic ataxia. Last evaluated: 2025-01-16. Review status: criteria provided, single submitter. Criteria: Natera Variant Classification Schema (03/2026). Collection method: clinical testing. Allele origin: germline.
Comment: The c.6811delT variant in SACS is a frameshift variant predicted to shift the reading frame beginning at codon 2271 and leads to a stop codon 24 codons downstream. This variant is expected to result in nonsense mediated decay, truncation, or a dysfunctional protein product. This variant is rare in the general population with a frequency below the threshold expected for the associated phenotype(s). Given the available evidence, this variant is classified as Likely Pathogenic.

NM_014363.6(SACS):c.6811del (p.Cys2271fs)

Gene: SACS (sacsin molecular chaperone; minus strand). Cytogenetic location: 13q12.12.
Variant type: Deletion.
Coding change: c.6811del on transcript NM_014363.6 (MANE Select); coding-DNA position 6811, one base deleted (T; older notation c.6811delT).
Protein change: p.Cys2271fs; shifts the reading frame from cysteine 2271.
Molecular consequence: frameshift variant.
Genome position (GRCh38, 1-based): chr13:23,337,065, A deleted on the plus strand (T on the coding strand, the reverse complement: SACS is on the minus strand); the first of 2 consecutive A bases (chr13:23,337,065-23,337,066); deleting either gives the same sequence. VCF-style (leftmost placement, unchanged base first): chr13-23337064-CA-C. GRCh37 (hg19) VCF-style: chr13-23911203-CA-C.
Other names: c.6370del, p.Cys2124fs (NM_001278055.2); c.6838del, p.Cys2280fs (NM_001437336.1); short protein forms C2124fs, C2271fs, C2280fs.
Identifiers: ClinVar variation 4815712 (VCV004815712.1).
Genomic context (GRCh38, chr13:23,337,064, plus strand): 5'-TCAACTGTTGGCTTCTTGAGTAATCCCAAAAACTCTTTAACAGCCAATGACACTGAACCA[CA>C]ACCTCTAAAAGAATGGGAATTTTCATTTAGAATTGGTTGCAAAAGACAAACTATATCTTG-3'